The following is an entry in ClinVar:

NC_000001.10:g.(?_150776487)_(150779291_?)del

Gene: CTSK (cathepsin K; minus strand). Cytogenetic location: 1q21.3.
Variant type: Deletion.
Identifiers: ClinVar variation 1457491 (VCV001457491.4).

ClinVar aggregate classification (germline): Pathogenic (1 of 4 stars; one submission).

Submission:

Labcorp Genetics (formerly Invitae), Labcorp
Classification: Pathogenic. Last evaluated: 2021-07-31. Review status: criteria provided, single submitter. Criteria: Invitae Variant Classification Sherloc (09022015). Collection method: clinical testing. Allele origin: germline.
Comment: For these reasons, this variant has been classified as Pathogenic. This variant has not been reported in the literature in individuals affected with CTSK-related conditions. This variant is a gross deletion of the genomic region encompassing exon(s) 2-5 of the CTSK gene, which includes the initiator codon. The 5' end of this event is unknown as it extends beyond the assayed region for this gene and therefore may encompass additional genes. The 3' boundary is likely confined to intron 5 of the CTSK gene. It is expected to result in an absent or disrupted protein product. Loss-of-function variants in CTSK are known to be pathogenic (PMID: 12125807, 21569238).

Literature cited by the submitters: PubMed 12125807; PubMed 21569238.